The following is an entry in ClinVar:

ClinVar aggregate classification (germline): Uncertain significance (1 of 4 stars; one submission).

Submission:

Labcorp Genetics (formerly Invitae), Labcorp
Classification: Uncertain significance. Last evaluated: 2025-01-28. Review status: criteria provided, single submitter. Criteria: Invitae Variant Classification Sherloc (09022015). Collection method: clinical testing. Allele origin: germline.
Comment: This sequence change falls in intron 32 of the COL11A1 gene. It does not directly change the encoded amino acid sequence of the COL11A1 protein. It affects a nucleotide within the consensus splice site. This variant is not present in population databases (gnomAD no frequency). This variant has not been reported in the literature in individuals affected with COL11A1-related conditions. Variants that disrupt the consensus splice site are a relatively common cause of aberrant splicing (PMID: 17576681, 9536098). Algorithms developed to predict the effect of sequence changes on RNA splicing suggest that this variant may disrupt the consensus splice site. In summary, the available evidence is currently insufficient to determine the role of this variant in disease. Therefore, it has been classified as a Variant of Uncertain Significance.

Literature cited by the submitters: PubMed 17576681; PubMed 9536098.

NM_001854.4(COL11A1):c.2610+5G>A

Gene: COL11A1 (collagen type XI alpha 1 chain; minus strand). Cytogenetic location: 1p21.1.
Variant type: single nucleotide variant.
Coding change: c.2610+5G>A on transcript NM_001854.4 (MANE Select); 5 bases into the intron after coding-DNA position 2610, G replaced by A.
Molecular consequence: intron variant.
Genome position (GRCh38, 1-based): chr1:102,979,377, C>T on the plus strand (G>A on the coding strand, the complement: COL11A1 is on the minus strand). VCF-style: chr1-102979377-C-T. GRCh37 (hg19) VCF-style: chr1-103444933-C-T.
Other names: c.2493+5G>A (NM_001190709.2); c.2646+5G>A (NM_080629.3); c.2262+5G>A (NM_080630.4).
Identifiers: ClinVar variation 3613720 (VCV003613720.2).